The following is an entry in ClinVar:

ClinVar aggregate classification (germline): Pathogenic (1 of 4 stars; one submission).

Conditions:
Parathyroid carcinoma (PRTC). Also called: CDC73-Related Parathyroid Carcinoma; Parathyroid gland carcinoma. Identifiers: Orphanet 143, MedGen C0687150, MONDO:0012004, OMIM 608266, HP:0006780.

Submission:

Labcorp Genetics (formerly Invitae), Labcorp
Classification: Pathogenic for Parathyroid carcinoma. Last evaluated: 2018-11-30. Review status: criteria provided, single submitter. Criteria: Invitae Variant Classification Sherloc (09022015). Collection method: clinical testing. Allele origin: germline.
Comment: A gross deletion of the genomic region encompassing the full coding sequence of the CDC73 gene has been identified. The boundaries of this event are unknown as the deletion extends beyond the assayed region for this gene and therefore may encompass additional genes. Whole gene deletion of CDC73Â¬â€ has been observed in individuals affected with hyperparathyroidism (PMID: 25444225, 29040582). Loss-of-function variants in CDC73 are known to be pathogenic (PMID: 12434154). For these reasons, this variant has been classified as Pathogenic.

Literature cited by the submitters: PubMed 25444225; PubMed 29040582.

NC_000001.11:g.(?_193122191)_(193250722_?)del

Genes: B3GALT2 (beta-1,3-galactosyltransferase 2; minus strand), CDC73 (cell division cycle 73; plus strand), MIR1278 (microRNA 1278; plus strand), LOC129932147 (ATAC-STARR-seq lymphoblastoid active region 2269; plus strand). Cytogenetic location: 1q31.2.
Variant type: Deletion.
Identifiers: ClinVar variation 647462 (VCV000647462.1).